The following is an entry in ClinVar:

NM_002585.4(PBX1):c.844A>G (p.Asn282Asp)

Gene: PBX1 (PBX homeobox 1; plus strand). Cytogenetic location: 1q23.3.
Variant type: single nucleotide variant.
Coding change: c.844A>G on transcript NM_002585.4 (MANE Select); coding-DNA position 844, A replaced by G.
Protein change: p.Asn282Asp; replaces asparagine 282 with aspartic acid.
Molecular consequence: missense variant.
Genome position (GRCh38, 1-based): chr1:164,811,996, A>G. VCF-style: chr1-164811996-A-G. GRCh37 (hg19) VCF-style: chr1-164781233-A-G.
Other names: c.844A>G, p.Asn282Asp (NM_001204961.2, NM_001204963.2, NM_001353131.2); c.595A>G, p.Asn199Asp (NM_001353130.1); short protein forms N199D, N282D.
Identifiers: ClinVar variation 2576953 (VCV002576953.2), dbSNP rs2526881783, ClinGen allele CA343471484.

ClinVar aggregate classification (germline): Conflicting classifications of pathogenicity. Review status: criteria provided, conflicting classifications (1 of 4 stars). 2 submissions from 2 submitters: Pathogenic (1); Uncertain significance (1). Last evaluated 2023-03-07.

Submissions (2):

GeneDx
Classification: Pathogenic. Last evaluated: 2023-03-07. Review status: criteria provided, single submitter. Criteria: GeneDx Variant Classification Process June 2021. Collection method: clinical testing. Allele origin: germline. Affected: yes.
Comment: Not observed at significant frequency in large population cohorts (gnomAD); In silico analysis supports that this missense variant has a deleterious effect on protein structure/function; Has not been previously published as pathogenic or benign to our knowledge

Blueprint Genetics
Classification: Uncertain significance. Last evaluated: 2019-05-17. Review status: criteria provided, single submitter. Criteria: ACMG Guidelines, 2015. Collection method: clinical testing. Allele origin: germline.